The following is an entry in ClinVar:

NM_002945.5(RPA1):c.12A>G (p.Gln4=)

Genes: RPA1 (replication protein A1; plus strand), LOC130059894 (ATAC-STARR-seq lymphoblastoid silent region 7964; plus strand). Cytogenetic location: 17p13.3.
Variant type: single nucleotide variant.
Coding change: c.12A>G on transcript NM_002945.5 (MANE Select); coding-DNA position 12, A replaced by G.
Protein change: p.Gln4=; no amino-acid change (glutamine 4 retained).
Molecular consequence: synonymous variant. On other transcripts: 5 prime UTR variant (1).
Genome position (GRCh38, 1-based): chr17:1,830,105, A>G. VCF-style: chr17-1830105-A-G. GRCh37 (hg19) VCF-style: chr17-1733399-A-G.
Other names: p.Gln4=; c.-36A>G (NM_001355120.2); c.12A>G, p.Gln4= (NM_001355121.2).
Identifiers: ClinVar variation 2688031 (VCV002688031.3), dbSNP rs5030749, ClinGen allele CA8275750.

ClinVar aggregate classification (germline): Benign. Review status: criteria provided, multiple submitters, no conflicts (2 of 4 stars). 2 submissions from 2 submitters: Benign (2). Last evaluated 2024-01-24.

Allele frequency attached by ClinVar (database versions not stated): 1000 Genomes Project 30x 0.54685; TOPMed 0.66727; gnomAD 0.68027; ESP Exome Variant Server 0.74459; 1000 Genomes Project 0.54413; ExAC 0.70230.
gnomAD v4.1: 932,453 of 1,249,336 alleles (75%); highest among the groups gnomAD compares: Non-Finnish European, 79%; 354,203 homozygotes.

Submissions (2):

Unidad de Genómica Garrahan, Hospital de Pediatría Garrahan
Classification: Benign. Last evaluated: 2024-01-24. Review status: criteria provided, single submitter. Criteria: ACMG Guidelines, 2015. Collection method: clinical testing. Allele origin: germline. Affected: no. Observed: 64 variant alleles.
Comment: This variant is classified as Benign based on local population frequency. This variant was detected in 67% of patients studied by a panel of primary immunodeficiencies. Number of patients: 64. Only high quality variants are reported.

Mayo Clinic Laboratories, Mayo Clinic
Classification: Benign. Last evaluated: 2022-09-06. Review status: criteria provided, single submitter. Criteria: ACMG Guidelines, 2015. Collection method: clinical testing. Allele origin: germline. Observed: 351 variant alleles.